The following is an entry in ClinVar:

NM_001353921.2(ARHGEF9):c.304C>T (p.Arg102Trp)

Gene: ARHGEF9 (Cdc42 guanine nucleotide exchange factor 9; minus strand). Cytogenetic location: Xq11.1.
Variant type: single nucleotide variant.
Coding change: c.304C>T on transcript NM_001353921.2 (MANE Select); coding-DNA position 304, C replaced by T.
Protein change: p.Arg102Trp; replaces arginine 102 with tryptophan.
Molecular consequence: missense variant. On other transcripts: 5 prime UTR variant (3).
Genome position (GRCh38, 1-based): chrX:63,706,356, G>A on the plus strand (C>T on the coding strand, the complement: ARHGEF9 is on the minus strand). VCF-style: chrX-63706356-G-A. GRCh37 (hg19) VCF-style: chrX-62926236-G-A.
Other names: c.124C>T, p.Arg42Trp (NM_001173479.2); c.-24C>T (NM_001173480.2, NM_001369042.1); c.220C>T, p.Arg74Trp (NM_001330495.2, NM_001353927.2, NM_001369033.1 and 8 more transcripts); c.304C>T, p.Arg102Trp (NM_001353922.2); c.322C>T, p.Arg108Trp (NM_001353923.1); c.103C>T, p.Arg35Trp (NM_001353924.2, NM_001353926.2, NM_001369039.1 and 1 more transcripts); c.283C>T, p.Arg95Trp (NM_001353928.2, NM_001369030.1, NM_001369031.1 and 2 more transcripts); c.-400C>T (NM_001369045.1); short protein forms R108W, R42W, R95W, R102W, R74W, R35W.
Identifiers: ClinVar variation 3021482 (VCV003021482.3), dbSNP rs2519903776, ClinGen allele CA413402072.

ClinVar aggregate classification (germline): Uncertain significance (1 of 4 stars; one submission).

Conditions:
Developmental and epileptic encephalopathy, 8 (DEE8). Also called: HYPEREKPLEXIA AND EPILEPSY. Identifiers: Orphanet 163985, Orphanet 2076, MedGen C1845102, MONDO:0010375, OMIM 300607.

Submission:

Labcorp Genetics (formerly Invitae), Labcorp
Classification: Uncertain significance for Developmental and epileptic encephalopathy, 8. Last evaluated: 2023-06-27. Review status: criteria provided, single submitter. Criteria: Invitae Variant Classification Sherloc (09022015). Collection method: clinical testing. Allele origin: germline.
Comment: In summary, the available evidence is currently insufficient to determine the role of this variant in disease. Therefore, it has been classified as a Variant of Uncertain Significance. Advanced modeling of protein sequence and biophysical properties (such as structural, functional, and spatial information, amino acid conservation, physicochemical variation, residue mobility, and thermodynamic stability) performed at Invitae indicates that this missense variant is not expected to disrupt ARHGEF9 protein function. This variant has not been reported in the literature in individuals affected with ARHGEF9-related conditions. This variant is not present in population databases (gnomAD no frequency). This sequence change replaces arginine, which is basic and polar, with tryptophan, which is neutral and slightly polar, at codon 95 of the ARHGEF9 protein (p.Arg95Trp).